The following is an entry in ClinVar:

NM_001111.5(ADAR):c.*368G>A

Gene: ADAR (adenosine deaminase RNA specific; minus strand). Cytogenetic location: 1q21.3.
Variant type: single nucleotide variant.
Coding change: c.*368G>A on transcript NM_001111.5 (MANE Select); 368 bases downstream of the stop codon, G replaced by A.
Molecular consequence: 3 prime UTR variant.
Genome position (GRCh38, 1-based): chr1:154,584,438, C>T on the plus strand (G>A on the coding strand, the complement: ADAR is on the minus strand). VCF-style: chr1-154584438-C-T. GRCh37 (hg19) VCF-style: chr1-154556914-C-T.
Other names: c.*368G>A (LRG_1212t1, NM_001025107.3, NM_001193495.2 and 7 more transcripts).
Identifiers: ClinVar variation 292748 (VCV000292748.5), dbSNP rs558906089, ClinGen allele CA10608250.

ClinVar aggregate classification (germline): Benign (1 of 4 stars; one submission).

Conditions:
Symmetrical dyschromatosis of extremities (DSH). Also called: Dyschromatosis symmetrica hereditaria; DYSCHROMATOSIS SYMMETRICA HEREDITARIA 1; RETICULATE ACROPIGMENTATION OF DOHI; SYMMETRIC DYSCHROMATOSIS OF THE EXTREMITIES. Identifiers: Orphanet 41, MedGen C0406775, MONDO:0007483, OMIM 127400.

Allele frequency attached by ClinVar (database versions not stated): 1000 Genomes Project 0.00040; 1000 Genomes Project 30x 0.00047; TOPMed 0.00089; gnomAD 0.00077 and 0.00079; gnomAD exomes 0.00079.
gnomAD v4.1: 174 of 230,000 alleles (0.076%); highest among the groups gnomAD compares: Non-Finnish European, 0.11%; no homozygotes.

Submission:

Illumina Laboratory Services, Illumina
Classification: Benign for Symmetrical dyschromatosis of extremities. Last evaluated: 2018-01-12. Review status: criteria provided, single submitter. Criteria: ICSL Variant Classification Criteria 13 December 2019. Collection method: clinical testing. Allele origin: germline.
Comment: This variant was observed in the ICSL laboratory as part of a predisposition screen in an ostensibly healthy population. It had not been previously curated by ICSL or reported in the Human Gene Mutation Database (HGMD: prior to June 1st, 2018), and was therefore a candidate for classification through an automated scoring system. Utilizing variant allele frequency, disease prevalence and penetrance estimates, and inheritance mode, an automated score was calculated to assess if this variant is too frequent to cause the disease. Based on the score and internal cut-off values, a variant classified as benign is not then subjected to further curation. The score for this variant resulted in a classification of benign for this disease.